The following is an entry in ClinVar:

ClinVar aggregate classification (germline): Uncertain significance. Review status: criteria provided, multiple submitters, no conflicts (2 of 4 stars). 2 submissions from 2 submitters: Uncertain significance (2). Last evaluated 2025-10-29.

Conditions:
Inborn genetic diseases. Identifiers: MedGen C0950123, MeSH D030342.

gnomAD v4.1: 2 of 1,614,068 alleles (0.00012%); highest among the groups gnomAD compares: African/African-American, 0.0013%; no homozygotes.

Submissions (2):

Quest Diagnostics Nichols Institute San Juan Capistrano
Classification: Uncertain significance. Last evaluated: 2025-10-29. Review status: criteria provided, single submitter. Criteria: Quest Diagnostics criteria. Collection method: clinical testing. Allele origin: unknown.
Comment: The FANCA c.1197C>G (p.Cys399Trp) variant has not been reported in individuals with FANCA-related conditions in the published literature. The frequency of this variant in the general population (Genome Aggregation Database) is uninformative in the assessment of its pathogenicity. Analysis of this variant using bioinformatics tools for the prediction of the effect of amino acid changes on protein structure and function yielded conflicting predictions that this variant is benign or damaging. Based on the available information, we are unable to determine the clinical significance of this variant.

Ambry Genetics
Classification: Uncertain significance for Inborn genetic diseases. Last evaluated: 2025-09-20. Review status: criteria provided, single submitter. Criteria: Ambry Variant Classification Scheme 2023. Collection method: clinical testing. Allele origin: germline.
Comment: The p.C399W variant (also known as c.1197C>G), located in coding exon 13 of the FANCA gene, results from a C to G substitution at nucleotide position 1197. The cysteine at codon 399 is replaced by tryptophan, an amino acid with highly dissimilar properties. This amino acid position is conserved. In addition, the in silico prediction for this alteration is inconclusive. Based on the available evidence, the clinical significance of this variant remains unclear.

NM_000135.4(FANCA):c.1197C>G (p.Cys399Trp)

Gene: FANCA (FA complementation group A; minus strand). Cytogenetic location: 16q24.3.
Variant type: single nucleotide variant.
Coding change: c.1197C>G on transcript NM_000135.4 (MANE Select); coding-DNA position 1197, C replaced by G.
Protein change: p.Cys399Trp; replaces cysteine 399 with tryptophan.
Molecular consequence: missense variant.
Genome position (GRCh38, 1-based): chr16:89,791,955, G>C on the plus strand (C>G on the coding strand, the complement: FANCA is on the minus strand). VCF-style: chr16-89791955-G-C. GRCh37 (hg19) VCF-style: chr16-89858363-G-C.
Other names: c.1197C>G, p.Cys399Trp (NM_001286167.3); short protein forms C399W.
Identifiers: ClinVar variation 4532855 (VCV004532855.2).